The following is an entry in ClinVar:

NM_014334.4(FRRS1L):c.101G>A (p.Gly34Asp)

Gene: FRRS1L (ferric chelate reductase 1 like; minus strand). Cytogenetic location: 9q31.3.
Variant type: single nucleotide variant.
Coding change: c.101G>A on transcript NM_014334.4 (MANE Select); coding-DNA position 101, G replaced by A.
Protein change: p.Gly34Asp; replaces glycine 34 with aspartic acid.
Molecular consequence: missense variant.
Genome position (GRCh38, 1-based): chr9:109,167,038, C>T on the plus strand (G>A on the coding strand, the complement: FRRS1L is on the minus strand). VCF-style: chr9-109167038-C-T. GRCh37 (hg19) VCF-style: chr9-111929318-C-T.
Other names: short protein forms G34D.
Identifiers: ClinVar variation 1949797 (VCV001949797.2), dbSNP rs1378223355, ClinGen allele CA374430495.

ClinVar aggregate classification (germline): Uncertain significance (1 of 4 stars; one submission).

Conditions:
Developmental and epileptic encephalopathy, 37 (DEE37). Also called: Epileptic encephalopathy, early infantile, 37. Identifiers: MedGen C4310770, MONDO:0014859, OMIM 616981.

Allele frequency attached by ClinVar (database versions not stated): gnomAD exomes below 0.00001.
gnomAD v4.1: 1 of 1,201,420 alleles (0.000083%); highest among the groups gnomAD compares: Non-Finnish European, 0.0001%; no homozygotes.

Submission:

Labcorp Genetics (formerly Invitae), Labcorp
Classification: Uncertain significance for Developmental and epileptic encephalopathy, 37. Last evaluated: 2022-04-18. Review status: criteria provided, single submitter. Criteria: Invitae Variant Classification Sherloc (09022015). Collection method: clinical testing. Allele origin: germline.
Comment: This sequence change replaces glycine, which is neutral and non-polar, with aspartic acid, which is acidic and polar, at codon 85 of the FRRS1L protein (p.Gly85Asp). The frequency data for this variant in the population databases is considered unreliable, as metrics indicate insufficient coverage at this position in the gnomAD database. This variant has not been reported in the literature in individuals affected with FRRS1L-related conditions. Algorithms developed to predict the effect of missense changes on protein structure and function (SIFT, PolyPhen-2, Align-GVGD) all suggest that this variant is likely to be tolerated. In summary, the available evidence is currently insufficient to determine the role of this variant in disease. Therefore, it has been classified as a Variant of Uncertain Significance.